The following is an entry in ClinVar:

ClinVar aggregate classification (germline): Uncertain significance (0 of 4 stars; one submission).

Conditions:
NEK1-related disorder. Also called: NEK1-related condition.

gnomAD v4.1: 14 of 1,569,918 alleles (0.00089%); highest among the groups gnomAD compares: Non-Finnish European, 0.0011%; no homozygotes.

Submission:

PreventionGenetics, part of Exact Sciences
Classification: Uncertain significance for NEK1-related condition. Last evaluated: 2024-03-29. Review status: no assertion criteria provided. Collection method: clinical testing. Allele origin: germline.
Comment: The NEK1 c.3500A>G variant is predicted to result in the amino acid substitution p.Asp1167Gly. To our knowledge, this variant has not been reported in the literature or in gnomAD, indicating this variant is rare. At this time, the clinical significance of this variant is uncertain due to the absence of conclusive functional and genetic evidence.

NM_001199397.3(NEK1):c.3584A>G (p.Asp1195Gly)

Gene: NEK1 (NIMA related kinase 1; minus strand). Cytogenetic location: 4q33.
Variant type: single nucleotide variant.
Coding change: c.3584A>G on transcript NM_001199397.3 (MANE Select); coding-DNA position 3584, A replaced by G.
Protein change: p.Asp1195Gly; replaces aspartic acid 1195 with glycine.
Molecular consequence: missense variant. On other transcripts: non-coding transcript variant (1).
Genome position (GRCh38, 1-based): chr4:169,400,651, T>C on the plus strand (A>G on the coding strand, the complement: NEK1 is on the minus strand). VCF-style: chr4-169400651-T-C. GRCh37 (hg19) VCF-style: chr4-170321802-T-C.
Other names: c.3452A>G, p.Asp1151Gly (NM_001199398.3); c.3293A>G, p.Asp1098Gly (NM_001199399.3); c.3368A>G, p.Asp1123Gly (NM_001199400.3); c.3584A>G, p.Asp1195Gly (NM_001374418.1); c.3500A>G, p.Asp1167Gly (NM_001374419.1, NM_012224.4); c.3449A>G, p.Asp1150Gly (NM_001374420.1); c.3101A>G, p.Asp1034Gly (NM_001374421.1); short protein forms D1034G, D1098G, D1123G, D1150G, D1151G, D1167G, D1195G.
Identifiers: ClinVar variation 3357533 (VCV003357533.1).